The following is an entry in ClinVar:

NM_015512.5(DNAH1):c.5368G>A (p.Val1790Met)

Gene: DNAH1 (dynein axonemal heavy chain 1; plus strand). Cytogenetic location: 3p21.1.
Variant type: single nucleotide variant.
Coding change: c.5368G>A on transcript NM_015512.5 (MANE Select); coding-DNA position 5368, G replaced by A.
Protein change: p.Val1790Met; replaces valine 1790 with methionine.
Molecular consequence: missense variant.
Genome position (GRCh38, 1-based): chr3:52,364,869, G>A. VCF-style: chr3-52364869-G-A. GRCh37 (hg19) VCF-style: chr3-52398885-G-A.
Other names: short protein forms V1790M.
Identifiers: ClinVar variation 654120 (VCV000654120.8), dbSNP rs951278557, ClinGen allele CA353143973.
Genomic context (GRCh38, chr3:52,364,869, plus strand): 5'-AGGCTCAGCCGGCACCTGCTGCAGGAGCTGATCTGCCTCCGGGCCATCCGTGATGTGAAC[G>A]TGCCCAAGTTCCTGCAGGAGGACCTCAAGCTCTTCTCTGGCATCGTGTCCGACCTGTTTC-3'
Protein context (NP_056327.4, residues 1780-1800): ICLRAIRDVN[Val1790Met]PKFLQEDLKL

ClinVar aggregate classification (germline): Uncertain significance. Review status: criteria provided, multiple submitters, no conflicts (2 of 4 stars). 2 submissions from 2 submitters: Uncertain significance (2). Last evaluated 2023-08-28.

Conditions:
Spermatogenic failure 18. Identifiers: MedGen C4539783, MONDO:0054615, OMIM 617576.
Ciliary dyskinesia, primary, 37 (CILD37). Also called: CILIARY DYSKINESIA, PRIMARY, 37, WITH OR WITHOUT SITUS INVERSUS. Identifiers: MedGen C4539798, MONDO:0033204, OMIM 617577.

Allele frequency attached by ClinVar (database versions not stated): TOPMed below 0.00001.
gnomAD v4.1: 8 of 1,613,964 alleles (0.0005%); highest among the groups gnomAD compares: South Asian, 0.0022%; no homozygotes.

Submissions (2):

Ambry Genetics
Classification: Uncertain significance. Last evaluated: 2023-08-28. Review status: criteria provided, single submitter. Criteria: Ambry Variant Classification Scheme 2023. Collection method: clinical testing. Allele origin: germline.

Labcorp Genetics (formerly Invitae), Labcorp
Classification: Uncertain significance for Ciliary dyskinesia, primary, 37; Spermatogenic failure 18. Last evaluated: 2022-05-16. Review status: criteria provided, single submitter. Criteria: Invitae Variant Classification Sherloc (09022015). Collection method: clinical testing. Allele origin: germline.
Comment: In summary, the available evidence is currently insufficient to determine the role of this variant in disease. Therefore, it has been classified as a Variant of Uncertain Significance. This sequence change replaces valine, which is neutral and non-polar, with methionine, which is neutral and non-polar, at codon 1790 of the DNAH1 protein (p.Val1790Met). This variant is not present in population databases (gnomAD no frequency). This variant has not been reported in the literature in individuals affected with DNAH1-related conditions. ClinVar contains an entry for this variant (Variation ID: 654120). Algorithms developed to predict the effect of missense changes on protein structure and function are either unavailable or do not agree on the potential impact of this missense change (SIFT: "Deleterious"; PolyPhen-2: "Possibly Damaging"; Align-GVGD: "Class C0"). Algorithms developed to predict the effect of sequence changes on RNA splicing suggest that this variant may create or strengthen a splice site.